The following is an entry in ClinVar:

NM_020381.4(PDSS2):c.523G>C (p.Asp175His)

Gene: PDSS2 (decaprenyl diphosphate synthase subunit 2; minus strand). Cytogenetic location: 6q21.
Variant type: single nucleotide variant.
Coding change: c.523G>C on transcript NM_020381.4 (MANE Select); coding-DNA position 523, G replaced by C.
Protein change: p.Asp175His; replaces aspartic acid 175 with histidine.
Molecular consequence: missense variant.
Genome position (GRCh38, 1-based): chr6:107,274,136, C>G on the plus strand (G>C on the coding strand, the complement: PDSS2 is on the minus strand). VCF-style: chr6-107274136-C-G. GRCh37 (hg19) VCF-style: chr6-107595340-C-G.
Other names: c.523G>C (NM_020381.3); short protein forms D175H.
Identifiers: ClinVar variation 2172030 (VCV002172030.5), dbSNP rs1217767868, ClinGen allele CA365324408.

ClinVar aggregate classification (germline): Uncertain significance. Review status: criteria provided, multiple submitters, no conflicts (2 of 4 stars). 2 submissions from 2 submitters: Uncertain significance (2). Last evaluated 2026-01-19.

Conditions:
Inborn genetic diseases. Identifiers: MedGen C0950123, MeSH D030342.

Allele frequency attached by ClinVar (database versions not stated): gnomAD exomes 0.00001; TOPMed 0.00001.
gnomAD v4.1: 3 of 1,613,550 alleles (0.00019%); highest among the groups gnomAD compares: Admixed American, 0.005%; no homozygotes.

Submissions (2):

Labcorp Genetics (formerly Invitae), Labcorp
Classification: Uncertain significance. Last evaluated: 2026-01-19. Review status: criteria provided, single submitter. Criteria: Invitae Variant Classification Sherloc (09022015). Collection method: clinical testing. Allele origin: germline.
Comment: This sequence change replaces aspartic acid, which is acidic and polar, with histidine, which is basic and polar, at codon 175 of the PDSS2 protein (p.Asp175His). This variant is present in population databases (no rsID available, gnomAD 0.003%). This variant has not been reported in the literature in individuals affected with PDSS2-related conditions. ClinVar contains an entry for this variant (Variation ID: 2172030). Invitae Evidence Modeling of protein sequence and biophysical properties (such as structural, functional, and spatial information, amino acid conservation, physicochemical variation, residue mobility, and thermodynamic stability) indicates that this missense variant is not expected to disrupt PDSS2 protein function with a negative predictive value of 80%. In summary, the available evidence is currently insufficient to determine the role of this variant in disease. Therefore, it has been classified as a Variant of Uncertain Significance.

Ambry Genetics
Classification: Uncertain significance for Inborn genetic diseases. Last evaluated: 2025-01-17. Review status: criteria provided, single submitter. Criteria: Ambry Variant Classification Scheme 2023. Collection method: clinical testing. Allele origin: germline.